The following is an entry in ClinVar:

NM_003896.4(ST3GAL5):c.701T>G (p.Val234Gly)

Gene: ST3GAL5 (ST3 beta-galactoside alpha-2,3-sialyltransferase 5; minus strand). Cytogenetic location: 2p11.2.
Variant type: single nucleotide variant.
Coding change: c.701T>G on transcript NM_003896.4 (MANE Select); coding-DNA position 701, T replaced by G.
Protein change: p.Val234Gly; replaces valine 234 with glycine.
Molecular consequence: missense variant. On other transcripts: 5 prime UTR variant (1).
Genome position (GRCh38, 1-based): chr2:85,846,525, A>C on the plus strand (T>G on the coding strand, the complement: ST3GAL5 is on the minus strand). VCF-style: chr2-85846525-A-C. GRCh37 (hg19) VCF-style: chr2-86073648-A-C.
Other names: c.632T>G, p.Val211Gly (NM_001042437.2); c.317T>G, p.Val106Gly (NM_001354223.2, NM_001354224.2, NM_001354226.2 and 3 more transcripts); c.617T>G, p.Val206Gly (NM_001354227.2, NM_001354229.2, NM_001354238.1); c.-23T>G (NM_001354247.1); c.701T>G, p.Val234Gly (NM_001363847.1); short protein forms V106G, V206G, V211G, V234G.
Identifiers: ClinVar variation 2420353 (VCV002420353.3), dbSNP rs2467062170, ClinGen allele CA347531251.
Genomic context (GRCh38, chr2:85,846,525, plus strand): 5'-TCAAGGTCAGACAGTGGTGCGCCCTCTGGATAAGTCATCCTTATAGTAGTTTTATTTCCA[A>C]CATGTTCTGAATATCCCTCAACTGGTGCACTGTTTAACCTATTTAAATAAAAAGGACAAA-3'
Protein context (NP_003887.3, residues 224-244): SAPVEGYSEH[Val234Gly]GNKTTIRMTY

ClinVar aggregate classification (germline): Uncertain significance (1 of 4 stars; one submission).

Conditions:
GM3 synthase deficiency (SPDRS). Also called: SALT AND PEPPER DEVELOPMENTAL REGRESSION SYNDROME; SALT AND PEPPER MENTAL RETARDATION SYNDROME; AMISH INFANTILE EPILEPSY SYNDROME. Identifiers: Orphanet 171714, Orphanet 370933, MedGen C1836824, MONDO:0018274, OMIM 609056.

Submission:

Labcorp Genetics (formerly Invitae), Labcorp
Classification: Uncertain significance for GM3 synthase deficiency. Last evaluated: 2022-06-17. Review status: criteria provided, single submitter. Criteria: Invitae Variant Classification Sherloc (09022015). Collection method: clinical testing. Allele origin: germline.
Comment: This sequence change replaces valine, which is neutral and non-polar, with glycine, which is neutral and non-polar, at codon 234 of the ST3GAL5 protein (p.Val234Gly). This variant is not present in population databases (gnomAD no frequency). This variant has not been reported in the literature in individuals affected with ST3GAL5-related conditions. Algorithms developed to predict the effect of missense changes on protein structure and function (SIFT, PolyPhen-2, Align-GVGD) all suggest that this variant is likely to be disruptive. In summary, the available evidence is currently insufficient to determine the role of this variant in disease. Therefore, it has been classified as a Variant of Uncertain Significance.